The following is an entry in ClinVar:

NM_004360.5(CDH1):c.2512A>G (p.Ser838Gly)

Gene: CDH1 (cadherin 1; plus strand). Cytogenetic location: 16q22.1.
Variant type: single nucleotide variant.
Coding change: c.2512A>G on transcript NM_004360.5 (MANE Select); coding-DNA position 2512, A replaced by G.
Protein change: p.Ser838Gly; replaces serine 838 with glycine.
Molecular consequence: missense variant.
Genome position (GRCh38, 1-based): chr16:68,833,362, A>G. VCF-style: chr16-68833362-A-G. GRCh37 (hg19) VCF-style: chr16-68867265-A-G.
Other names: p.S838G:AGC>GGC; c.2329A>G, p.Ser777Gly (NM_001317184.2); c.964A>G, p.Ser322Gly (NM_001317185.2); c.547A>G, p.Ser183Gly (NM_001317186.2); short protein forms S838G, S322G, S777G, S183G.
Identifiers: ClinVar variation 12233 (VCV000012233.74), dbSNP rs121964872, ClinGen allele CA121994.

ClinVar aggregate classification (germline): Likely benign. Review status: reviewed by expert panel (3 of 4 stars). 24 submissions from 24 submitters: Likely benign (1). 23 of the submissions do not count toward it. Last evaluated 2023-08-17.

Conditions:
CDH1-related diffuse gastric and lobular breast cancer syndrome. Also called: CDH1-related diffuse gastric and lobular breast cancer. Identifiers: MedGen CN311521, MONDO:0100488.
CDH1-related disorder. Also called: CDH1-related condition.
Ovarian cancer. Also called: OVARIAN CANCER, SOMATIC. Identifiers: Orphanet 213500, MedGen C1140680, MONDO:0008170, OMIM 167000.
Familial cancer of breast. Also called: Hereditary breast cancer; BREAST CANCER, FAMILIAL; hereditary breast carcinoma. Identifiers: Orphanet 227535, MedGen C0346153, MONDO:0016419, OMIM 114480. Disease mechanism: loss of function.
Ovarian neoplasm. Also called: Ovarian Neoplasms; Neoplasm of ovary; Ovarian tumor. Identifiers: MedGen C0919267, MeSH D010051, MONDO:0021068, HP:0100615.
Endometrial carcinoma. Also called: Endometrial carcinoma, somatic. Identifiers: MedGen C0476089, MONDO:0002447, OMIM 608089, HP:0012114.
Blepharocheilodontic syndrome 1 (BCDS1). Identifiers: Orphanet 1997, MedGen C4551988, MONDO:0054740, OMIM 119580.
Prostate cancer. Also called: Malignant tumor of prostate. Identifiers: Orphanet 1331, MedGen C0376358, MONDO:0008315, HP:0012125.
Hereditary diffuse gastric adenocarcinoma (HDGC). Also called: DIFFUSE GASTRIC AND LOBULAR BREAST CANCER SYNDROME. Identifiers: Orphanet 26106, MedGen C1708349, MONDO:0007648, OMIM 137215.
Hereditary cancer-predisposing syndrome. Also called: Neoplastic Syndromes, Hereditary; Tumor predisposition; Hereditary Cancer Syndrome; Hereditary neoplastic syndrome. Identifiers: Orphanet 140162, MedGen C0027672, MeSH D009386, MONDO:0015356.

Allele frequency attached by ClinVar (database versions not stated): ExAC 0.00003; gnomAD exomes 0.00004; gnomAD 0.00011; TOPMed 0.00011.
gnomAD v4.1: 109 of 1,614,070 alleles (0.0068%); highest among the groups gnomAD compares: Non-Finnish European, 0.009%; no homozygotes.

Submissions 1 to 15 of 24:

Clingen Gastric Cancer Variant Curation Expert Panel
Classification: Likely benign for CDH1-related diffuse gastric and lobular breast cancer syndrome. Last evaluated: 2023-08-17. Review status: reviewed by expert panel. Criteria: ClinGen CDH1 ACMG Specifications V3.1. Collection method: curation. Allele origin: germline. Inheritance: Autosomal dominant inheritance.
Comment: The c.2512A>G (p.Ser838Gly) variant has been observed in >10 individuals without a diagnosis of diffuse gastric cancer, signet ring tumor or lobular breast cancer and whose family histories do not suggest HDGC (BS2; internal laboratory contributors). In summary, the clinical significance of this variant is classified as likely benign based on BS2 alone. ACMG/AMP criteria applied, as specified by the CDH1 Variant Curation Expert Panel (Variant Interpretation Guidelines Version 3.1): BS2.

Institute of Human Genetics, University of Leipzig Medical Center
Classification: Likely benign for Familial cancer of breast. Last evaluated: 2026-08-28. Review status: criteria provided, single submitter. Criteria: ACMG Guidelines, 2015. Collection method: clinical testing. Allele origin: unknown. Inheritance: Autosomal dominant inheritance. Affected: yes. Not counted in ClinVar's aggregate classification.
Comment: Criteria applied: BS2

CeGaT Center for Human Genetics Tuebingen
Classification: Likely benign. Last evaluated: 2026-06-01. Review status: criteria provided, single submitter. Criteria: CeGaT Center For Human Genetics Tuebingen Variant Classification Criteria Version 2. Collection method: clinical testing. Allele origin: germline. Affected: yes. Observed: 3 variant alleles. Not counted in ClinVar's aggregate classification.
Comment: CDH1: BP4, BS2

Labcorp Genetics (formerly Invitae), Labcorp
Classification: Likely benign for Hereditary diffuse gastric adenocarcinoma. Last evaluated: 2026-01-28. Review status: criteria provided, single submitter. Criteria: Invitae Variant Classification Sherloc (09022015). Collection method: clinical testing. Allele origin: germline. Not counted in ClinVar's aggregate classification.

Center for Genomic Medicine, Rigshospitalet, Copenhagen University Hospital
Classification: Likely benign. Last evaluated: 2025-12-29. Review status: criteria provided, single submitter. Criteria: ACMG Guidelines, 2015. Collection method: clinical testing. Allele origin: germline. Not counted in ClinVar's aggregate classification.

Women's Health and Genetics/Laboratory Corporation of America, LabCorp
Classification: Likely benign. Last evaluated: 2025-02-03. Review status: criteria provided, single submitter. Criteria: LabCorp Variant Classification Summary - May 2015. Collection method: clinical testing. Allele origin: germline. Not counted in ClinVar's aggregate classification.
Comment: Variant summary: CDH1 c.2512A>G (p.Ser838Gly) results in a non-conservative amino acid change located in the Cadherin, cytoplasmic domain of the encoded protein sequence. Three of five in-silico tools predict a benign effect of the variant on protein function. The variant allele was found at a frequency of 4.4e-05 in 273974 control chromosomes, predominantly at a frequency of 9.7e-05 within the Non-Finnish European subpopulation in the gnomAD database. The observed variant frequency within Non-Finnish European control individuals in the gnomAD database is approximately 4.66 fold of the estimated maximal expected allele frequency for a pathogenic variant in CDH1 causing Hereditary Breast And Ovarian Cancer Syndrome phenotype (2.1e-05), suggesting that the variant is a benign polymorphism found primarily in populations of Non-Finnish European origin. However, this frequency does not exceed the allele frequency threshold of 0.001 set by the ClinGen CDH1 variant curation expert panel (Lee_2018). c.2512A>G has been reported in the literature in individuals affected with cancer, including breast cancer, Lynch syndrome-associated cancer and pancreatic neuroendocrine tumor (Hauke_2018, Shindo_2017, Tung_2015, Yurgelun_2015, Schubert_2019). In another study, 5 individuals older than 55 were reported in one family who had the variant but did not have gastric cancer, and only one had breast cancer (Tsai_2019). Another co-occurrence with a pathogenic variant has been reported in our internal database (BRCA2 c.6025C>T, p.Gln2009X), providing supporting evidence for a benign role. Furthermore, the variant of interest was detected in 2 women in the FLOSSIES database older than age 70 years who have never had cancer, providing further supporting evidence for a benign role. The following publications have been ascertained in the context of this evaluation (PMID: 8075649, 25980754, 25186627, 25882375, 27616075, 27930734, 28767289, 30089731, 30311375, 29522266, 30287823, 30374176, 30426508, 31159747, 28993866, 33980423, 35089076). ClinVar contains an entry for this variant (Variation ID: 12233). Based on the evidence outlined above, the variant was classified as likely benign.

Blueprint Genetics
Classification: Likely benign. Last evaluated: 2024-11-04. Review status: criteria provided, single submitter. Criteria: ACMG Guidelines, 2015. Collection method: clinical testing. Allele origin: germline. Not counted in ClinVar's aggregate classification.

Color Diagnostics, LLC DBA Color Health
Classification: Likely benign for Hereditary cancer-predisposing syndrome. Last evaluated: 2024-09-25. Review status: criteria provided, single submitter. Criteria: ACMG Guidelines, 2015. Collection method: clinical testing. Allele origin: germline. Not counted in ClinVar's aggregate classification.

Department of Pathology and Laboratory Medicine, Sinai Health System
Classification: Likely benign for Familial cancer of breast; Ovarian cancer. Last evaluated: 2024-02-27. Review status: criteria provided, single submitter. Criteria: ACMG Guidelines, 2015. Collection method: clinical testing. Allele origin: germline. Affected: yes. Not counted in ClinVar's aggregate classification.

Mendelics
Classification: Benign for Hereditary diffuse gastric adenocarcinoma. Last evaluated: 2023-08-22. Review status: criteria provided, single submitter. Criteria: Mendelics Assertion Criteria 2019. Collection method: clinical testing. Allele origin: germline. Not counted in ClinVar's aggregate classification.

Myriad Genetics, Inc.
Classification: Uncertain significance for Hereditary diffuse gastric adenocarcinoma. Last evaluated: 2023-03-07. Review status: criteria provided, single submitter. Criteria: Myriad Autosomal Dominant, Autosomal Recessive and X-Linked Classification Criteria (2023). Collection method: clinical testing. Allele origin: unknown. Not counted in ClinVar's aggregate classification.
Comment: This variant is classified as a variant of uncertain significance as there is insufficient evidence to determine its impact on protein function and/or cancer risk.

Quest Diagnostics Nichols Institute San Juan Capistrano
Classification: Likely benign. Last evaluated: 2022-08-08. Review status: criteria provided, single submitter. Criteria: Quest Diagnostics criteria. Collection method: clinical testing. Allele origin: unknown. Not counted in ClinVar's aggregate classification.

European Reference Network on Genetic Tumour Risk Syndromes (ERN-GENTURIS), i3s - Instituto de Investigação e Inovação em Saúde, University of Porto
Classification: Likely benign for Hereditary diffuse gastric adenocarcinoma. Last evaluated: 2022-08-01. Review status: criteria provided, single submitter. Criteria: Lee et al. (Hum Mutat. 2018). Collection method: clinical testing. Allele origin: germline. Inheritance: Autosomal dominant inheritance. Affected: no. Study: ERN GENTURIS. Not counted in ClinVar's aggregate classification.
Comment: BS2 (PMID: 30311375)

Institute for Clinical Genetics, University Hospital TU Dresden, University Hospital TU Dresden
Classification: Uncertain significance. Last evaluated: 2021-11-03. Review status: criteria provided, single submitter. Criteria: ACMG Guidelines, 2015. Collection method: clinical testing. Allele origin: germline. Not counted in ClinVar's aggregate classification.

Fulgent Genetics
Classification: Likely benign for Familial cancer of breast; Blepharocheilodontic syndrome 1; Hereditary diffuse gastric adenocarcinoma; Ovarian cancer; Familial prostate cancer; Endometrial carcinoma. Last evaluated: 2021-09-29. Review status: criteria provided, single submitter. Criteria: ACMG Guidelines, 2015. Collection method: clinical testing. Allele origin: unknown. Not counted in ClinVar's aggregate classification.